The following is an entry in ClinVar:

ClinVar aggregate classification (germline): Uncertain significance (1 of 4 stars; one submission).

Conditions:
Charcot-Marie-Tooth disease axonal type 2C (HMSN2C). Also called: CHARCOT-MARIE-TOOTH DISEASE, AXONAL, AUTOSOMAL DOMINANT, TYPE 2C; Charcot-Marie-Tooth Neuropathy Type 2C; Charcot-Marie-Tooth Disease Type 2, TRPV4-Related (CMT2C). Identifiers: Orphanet 99937, MedGen C1853710, MONDO:0011633, OMIM 606071.

gnomAD v4.1: 1 of 1,614,272 alleles (0.000062%); highest among the groups gnomAD compares: Non-Finnish European, 0.000085%; no homozygotes.

Submission:

Labcorp Genetics (formerly Invitae), Labcorp
Classification: Uncertain significance for Charcot-Marie-Tooth disease axonal type 2C. Last evaluated: 2024-08-10. Review status: criteria provided, single submitter. Criteria: Invitae Variant Classification Sherloc (09022015). Collection method: clinical testing. Allele origin: germline.
Comment: This sequence change replaces leucine, which is neutral and non-polar, with phenylalanine, which is neutral and non-polar, at codon 670 of the TRPV4 protein (p.Leu670Phe). This variant is not present in population databases (gnomAD no frequency). This variant has not been reported in the literature in individuals affected with TRPV4-related conditions. Advanced modeling of protein sequence and biophysical properties (such as structural, functional, and spatial information, amino acid conservation, physicochemical variation, residue mobility, and thermodynamic stability) has been performed at Invitae for this missense variant, however the output from this modeling did not meet the statistical confidence thresholds required to predict the impact of this variant on TRPV4 protein function. In summary, the available evidence is currently insufficient to determine the role of this variant in disease. Therefore, it has been classified as a Variant of Uncertain Significance.

NM_021625.5(TRPV4):c.2008C>T (p.Leu670Phe)

Gene: TRPV4 (transient receptor potential cation channel subfamily V member 4; minus strand). Cytogenetic location: 12q24.11.
Variant type: single nucleotide variant.
Coding change: c.2008C>T on transcript NM_021625.5 (MANE Select); coding-DNA position 2008, C replaced by T.
Protein change: p.Leu670Phe; replaces leucine 670 with phenylalanine.
Molecular consequence: missense variant.
Genome position (GRCh38, 1-based): chr12:109,788,600, G>A on the plus strand (C>T on the coding strand, the complement: TRPV4 is on the minus strand). VCF-style: chr12-109788600-G-A. GRCh37 (hg19) VCF-style: chr12-110226405-G-A.
Other names: c.1867C>T, p.Leu623Phe (NM_001177428.2); c.1906C>T, p.Leu636Phe (NM_001177431.2); c.1687C>T, p.Leu563Phe (NM_001177433.2); c.1828C>T, p.Leu610Phe (NM_147204.3); short protein forms L670F, L563F, L623F, L610F, L636F.
Identifiers: ClinVar variation 3705362 (VCV003705362.2).